The following is an entry in ClinVar:

NM_001379286.1(ZNF423):c.1624G>A (p.Glu542Lys)

Gene: ZNF423 (zinc finger protein 423; minus strand). Cytogenetic location: 16q12.1.
Variant type: single nucleotide variant.
Coding change: c.1624G>A on transcript NM_001379286.1 (MANE Select); coding-DNA position 1624, G replaced by A.
Protein change: p.Glu542Lys; replaces glutamic acid 542 with lysine.
Molecular consequence: missense variant.
Genome position (GRCh38, 1-based): chr16:49,637,552, C>T on the plus strand (G>A on the coding strand, the complement: ZNF423 is on the minus strand). VCF-style: chr16-49637552-C-T. GRCh37 (hg19) VCF-style: chr16-49671463-C-T.
Other names: c.1420G>A, p.Glu474Lys (NM_001271620.2); c.1249G>A, p.Glu417Lys (NM_001330533.2); c.1600G>A, p.Glu534Lys (NM_015069.5); short protein forms E474K, E534K, E417K, E542K.
Identifiers: ClinVar variation 839237 (VCV000839237.9), dbSNP rs749382074, ClinGen allele CA8046650.
Genomic context (GRCh38, chr16:49,637,552, plus strand): 5'-GCACCACCGGAGACTCTAGTTTGGCACTGCCCACACTGCAGTGGGCCTGCTGGATGTGCT[C>T]GGTGAGGGAGGACTCAGTAAGGAAACCCATGGAGCACTGGTTGCAGAAGAAAGCATTATT-3'
Protein context (NP_001366215.1, residues 532-552): MGFLTESSLT[Glu542Lys]HIQQAHCSVG

ClinVar aggregate classification (germline): Uncertain significance (1 of 4 stars; one submission).

Conditions:
Nephronophthisis 14 (NPHP14). Identifiers: Orphanet 2318, MedGen C3539071, MONDO:0013916, OMIM 614844.

Allele frequency attached by ClinVar (database versions not stated): gnomAD exomes 0.00001; ExAC 0.00002; TOPMed 0.00001.
gnomAD v4.1: 23 of 1,613,886 alleles (0.0014%); highest among the groups gnomAD compares: East Asian, 0.0022%; no homozygotes.

Submission:

Labcorp Genetics (formerly Invitae), Labcorp
Classification: Uncertain significance for Nephronophthisis 14. Last evaluated: 2022-06-20. Review status: criteria provided, single submitter. Criteria: Invitae Variant Classification Sherloc (09022015). Collection method: clinical testing. Allele origin: germline.
Comment: This variant has not been reported in the literature in individuals affected with ZNF423-related conditions. This variant is present in population databases (rs749382074, gnomAD 0.003%). This sequence change replaces glutamic acid, which is acidic and polar, with lysine, which is basic and polar, at codon 534 of the ZNF423 protein (p.Glu534Lys). ClinVar contains an entry for this variant (Variation ID: 839237). In summary, the available evidence is currently insufficient to determine the role of this variant in disease. Therefore, it has been classified as a Variant of Uncertain Significance. Algorithms developed to predict the effect of missense changes on protein structure and function are either unavailable or do not agree on the potential impact of this missense change (SIFT: "Deleterious"; PolyPhen-2: "Probably Damaging"; Align-GVGD: "Class C0").